The following is an entry in ClinVar:

NM_020822.3(KCNT1):c.151G>C (p.Gly51Arg)

Gene: KCNT1 (potassium sodium-activated channel subfamily T member 1; plus strand). Cytogenetic location: 9q34.3.
Variant type: single nucleotide variant.
Coding change: c.151G>C on transcript NM_020822.3 (MANE Select); coding-DNA position 151, G replaced by C.
Protein change: p.Gly51Arg; replaces glycine 51 with arginine.
Molecular consequence: missense variant. On other transcripts: intron variant (1).
Genome position (GRCh38, 1-based): chr9:135,714,617, G>C. VCF-style: chr9-135714617-G-C. GRCh37 (hg19) VCF-style: chr9-138606463-G-C.
Other names: c.110+12249G>C (NM_001272003.2); short protein forms G51R.
Identifiers: ClinVar variation 517706 (VCV000517706.43), dbSNP rs148808978, ClinGen allele CA5326294.

ClinVar aggregate classification (germline): Benign/Likely benign. Review status: criteria provided, multiple submitters, no conflicts (2 of 4 stars). 6 submissions from 5 submitters: Benign (1); Likely benign (5). Last evaluated 2026-01-01.

Conditions:
Inborn genetic diseases. Identifiers: MedGen C0950123, MeSH D030342.
Autosomal dominant nocturnal frontal lobe epilepsy 5. Also called: CILIARY DYSKINESIA, PRIMARY, 28, WITHOUT SITUS INVERSUS; CILIARY DYSKINESIA, PRIMARY, 28, WITH SITUS INVERSUS; KCNT1-Related Epilepsy; Epilepsy, nocturnal frontal lobe, 5. Identifiers: Orphanet 98784, MedGen C3554306, MONDO:0014002, OMIM 615005.
Developmental and epileptic encephalopathy, 14 (DEE14). Also called: Early infantile epileptic encephalopathy 14. Identifiers: Orphanet 293181, MedGen C3554195, MONDO:0013989, OMIM 614959.

Allele frequency attached by ClinVar (database versions not stated): gnomAD exomes 0.00001 and 0.00009; ExAC 0.00015; ESP Exome Variant Server 0.00023; TOPMed 0.00030; 1000 Genomes Project 30x 0.00047; 1000 Genomes Project 0.00060.
gnomAD v4.1: 61 of 1,452,444 alleles (0.0042%); highest among the groups gnomAD compares: African/African-American, 0.085%; no homozygotes.

Submissions (6):

CeGaT Center for Human Genetics Tuebingen
Classification: Benign. Last evaluated: 2026-01-01. Review status: criteria provided, single submitter. Criteria: CeGaT Center For Human Genetics Tuebingen Variant Classification Criteria Version 2. Collection method: clinical testing. Allele origin: germline. Affected: yes. Observed: 2 variant alleles.
Comment: KCNT1: BS1, BS2

Labcorp Genetics (formerly Invitae), Labcorp
Classification: Likely benign for Autosomal dominant nocturnal frontal lobe epilepsy 5; Developmental and epileptic encephalopathy, 14. Last evaluated: 2025-11-24. Review status: criteria provided, single submitter. Criteria: Invitae Variant Classification Sherloc (09022015). Collection method: clinical testing. Allele origin: germline.

Ambry Genetics
Classification: Likely benign for Inborn genetic diseases. Last evaluated: 2025-08-04. Review status: criteria provided, single submitter. Criteria: Ambry Variant Classification Scheme 2023. Collection method: clinical testing. Allele origin: germline.

Genome-Nilou Lab
Classification: Likely benign for Developmental and epileptic encephalopathy, 14. Last evaluated: 2022-03-15. Review status: criteria provided, single submitter. Criteria: ACMG Guidelines, 2015. Collection method: clinical testing. Allele origin: germline. Affected: no.

Genome-Nilou Lab
Classification: Likely benign for Autosomal dominant nocturnal frontal lobe epilepsy 5. Last evaluated: 2022-03-15. Review status: criteria provided, single submitter. Criteria: ACMG Guidelines, 2015. Collection method: clinical testing. Allele origin: germline. Affected: no.

GeneDx
Classification: Likely benign. Last evaluated: 2017-11-06. Review status: criteria provided, single submitter. Criteria: GeneDx Variant Classification (06012015). Collection method: clinical testing. Allele origin: germline. Affected: yes.
Comment: This variant is considered likely benign or benign based on one or more of the following criteria: it is a conservative change, it occurs at a poorly conserved position in the protein, it is predicted to be benign by multiple in silico algorithms, and/or has population frequency not consistent with disease.